The following is an entry in ClinVar:

NM_001199107.2(TBC1D24):c.1198C>T (p.Gln400Ter)

Gene: TBC1D24 (TBC1 domain family member 24; plus strand). Cytogenetic location: 16p13.3.
Variant type: single nucleotide variant.
Coding change: c.1198C>T on transcript NM_001199107.2 (MANE Select); coding-DNA position 1198, C replaced by T.
Protein change: p.Gln400Ter; replaces glutamine 400 with a stop codon.
Molecular consequence: nonsense.
Genome position (GRCh38, 1-based): chr16:2,499,412, C>T. VCF-style: chr16-2499412-C-T. GRCh37 (hg19) VCF-style: chr16-2549413-C-T.
Other names: c.1180C>T, p.Gln394Ter (NM_020705.3); short protein forms Q394*, Q400*.
Identifiers: ClinVar variation 4812516 (VCV004812516.1).
Genomic context (GRCh38, chr16:2,499,412, plus strand): 5'-GCCAGGTTCTACTTCCAGTGTGAAGGACATGAGCCTACCCTCTTGCTCATCAAGACCACG[C>T]AGAAGGAGGTGAGCAGGGGCCCTGGAGCCAGGGCTGGCTCTGATGGGCTCCAGGGCTGGC-3'

ClinVar aggregate classification (germline): Pathogenic (1 of 4 stars; one submission).

Conditions:
Autosomal dominant nonsyndromic hearing loss 65. Also called: Deafness, autosomal dominant 65; TBC1D24-Related Autosomal Dominant Nonsyndromic Hearing Loss (DFNA). Identifiers: Orphanet 90635, MedGen C3892048, MONDO:0014470, OMIM 616044.
Developmental and epileptic encephalopathy, 1 (DEE1). Also called: INFANTILE SPASM SYNDROME, X-LINKED 1; X-linked infantile spasms; West's syndrome; Tonic spasms with clustering, arrest of psychomotor development and hypsarrhythmia on EEG; X-Linked Infantile Spasm Syndrome; OHTAHARA SYNDROME, X-LINKED. Identifiers: MedGen C3463992, MONDO:0010632, OMIM 308350. Disease mechanism: loss of function.

Submission:

Labcorp Genetics (formerly Invitae), Labcorp
Classification: Pathogenic for Developmental and epileptic encephalopathy, 1; Autosomal dominant nonsyndromic hearing loss 65. Last evaluated: 2025-07-30. Review status: criteria provided, single submitter. Criteria: Invitae Variant Classification Sherloc (09022015). Collection method: clinical testing. Allele origin: germline.
Comment: This sequence change creates a premature translational stop signal (p.Gln400*) in the TBC1D24 gene. It is expected to result in an absent or disrupted protein product. Loss-of-function variants in TBC1D24 are known to be pathogenic (PMID: 23526554, 24291220). This variant is not present in population databases (gnomAD no frequency). This variant has not been reported in the literature in individuals affected with TBC1D24-related conditions. For these reasons, this variant has been classified as Pathogenic.

Literature cited by the submitters: PubMed 23526554; PubMed 24291220.